The following is an entry in ClinVar:

ClinVar aggregate classification (germline): Uncertain significance (1 of 4 stars; one submission).

Conditions:
Craniotubular dysplasia, Ikegawa type (CTDI). Identifiers: MedGen C5575335, MONDO:0859226, OMIM 619727.

Submission:

Institute of Medical Genetics and Genomics, Sir Ganga Ram Hospital
Classification: Uncertain significance for Craniotubular dysplasia, Ikegawa type. Last evaluated: 2023-07-10. Review status: criteria provided, single submitter. Criteria: ACMG Guidelines, 2015. Collection method: clinical testing. Allele origin: inherited. Inheritance: Autosomal recessive inheritance. Affected: yes. Observed: 1 homozygote.
Comment: This has been found in 0.0004% in gnomAD (aggregated) database (PM2_moderate). Protein length changes due to the deletion (PM4_moderate).

NM_024587.4(TMEM53):c.707_715dup (p.Arg238_Arg239insLeuAlaArg)

Gene: TMEM53 (transmembrane protein 53; minus strand). Cytogenetic location: 1p34.1.
Variant type: Duplication.
Coding change: c.707_715dup on transcript NM_024587.4 (MANE Select); coding-DNA positions 707 to 715, 9 bases duplicated (TGGCACGCC; older notation c.707_715dupTGGCACGCC).
Protein change: p.Arg238_Arg239insLeuAlaArg.
Molecular consequence: inframe insertion.
Genome position (GRCh38, 1-based): chr1:44,654,678-44,654,686, GGCGTGCCA duplicated on the plus strand (TGGCACGCC on the coding strand, the reverse complement: TMEM53 is on the minus strand); duplicating any 9 consecutive bases within chr1:44,654,678-44,654,694 gives the same sequence; the c. name uses the placement nearest the transcript's 3' end. VCF-style (leftmost placement, unchanged base first): chr1-44654677-C-CGGCGTGCCA. GRCh37 (hg19) VCF-style: chr1-45120349-C-CGGCGTGCCA.
Other names: c.488_496dup, p.Arg165_Arg166insLeuAlaArg (NM_001300746.2); c.617_625dup, p.Arg208_Arg209insLeuAlaArg (NM_001300747.2); c.614_622dup, p.Arg207_Arg208insLeuAlaArg (NM_001300748.2).
Identifiers: ClinVar variation 2571596 (VCV002571596.2), dbSNP rs1557489429, ClinGen allele CA522808449.